The following is an entry in ClinVar:

NM_024408.4(NOTCH2):c.338G>T (p.Arg113Leu)

Gene: NOTCH2 (notch receptor 2; minus strand). Cytogenetic location: 1p12.
Variant type: single nucleotide variant.
Coding change: c.338G>T on transcript NM_024408.4 (MANE Select); coding-DNA position 338, G replaced by T.
Protein change: p.Arg113Leu; replaces arginine 113 with leucine.
Molecular consequence: missense variant.
Genome position (GRCh38, 1-based): chr1:120,005,406, C>A on the plus strand (G>T on the coding strand, the complement: NOTCH2 is on the minus strand). VCF-style: chr1-120005406-C-A. GRCh37 (hg19) VCF-style: chr1-120548029-C-A.
Other names: c.338G>T, p.Arg113Leu (NM_001200001.2); short protein forms R113L.
Identifiers: ClinVar variation 5020363 (VCV005020363.1).
Genomic context (GRCh38, chr1:120,005,406, plus strand): 5'-CAGGTGCACTCATAGGTATCCCGGCTGAGCATATGGCATGTGCCGCCATTCAGGCAGGGT[C>A]GAGACACAAAGCATGGATGAGATGTTGAGTACTGGCAGTCCTCTCCTGTAAACCCTGAGG-3'
Protein context (NP_077719.2, residues 103-123): YSTSHPCFVS[Arg113Leu]PCLNGGTCHM

ClinVar aggregate classification (germline): Uncertain significance (1 of 4 stars; one submission).

Submission:

Dasa
Classification: Uncertain significance. Last evaluated: 2026-06-16. Review status: criteria provided, single submitter. Criteria: DASA Assertion Criteria. Collection method: clinical testing. Allele origin: germline.
Comment: NM_024408.4(NOTCH2):c.338G>T (p.Arg113Leu) is a missense variant that results in the substitution of arginine with leucine. This variant is rare in population databases. Computational prediction algorithms are consistent with a benign effect. The currently available literature and clinical evidence are not sufficient to establish a definitive association between this variant and the reported condition. Therefore, this variant is classified as a variant of uncertain significance.